The following is an entry in ClinVar:

NM_002334.4(LRP4):c.541A>G (p.Asn181Asp)

Gene: LRP4 (LDL receptor related protein 4; minus strand). Cytogenetic location: 11p11.2.
Variant type: single nucleotide variant.
Coding change: c.541A>G on transcript NM_002334.4 (MANE Select); coding-DNA position 541, A replaced by G.
Protein change: p.Asn181Asp; replaces asparagine 181 with aspartic acid.
Molecular consequence: missense variant.
Genome position (GRCh38, 1-based): chr11:46,899,393, T>C on the plus strand (A>G on the coding strand, the complement: LRP4 is on the minus strand). VCF-style: chr11-46899393-T-C. GRCh37 (hg19) VCF-style: chr11-46920944-T-C.
Other names: short protein forms N181D.
Identifiers: ClinVar variation 968206 (VCV000968206.10), dbSNP rs1208569811, ClinGen allele CA380289445.

ClinVar aggregate classification (germline): Uncertain significance (1 of 4 stars; one submission).

Conditions:
Congenital myasthenic syndrome 17. Identifiers: Orphanet 590, MedGen C4225377, MONDO:0014578, OMIM 616304.
Cenani-Lenz syndactyly syndrome. Also called: SYNDACTYLY, TYPE VII; CENANI SYNDACTYLISM. Identifiers: Orphanet 3258, MedGen C1859309, MONDO:0008931, OMIM 212780.
Sclerosteosis 2 (SOST2). Identifiers: Orphanet 3152, MedGen C3280402, MONDO:0013679, OMIM 614305.

Allele frequency attached by ClinVar (database versions not stated): TOPMed below 0.00001; gnomAD 0.00001.
gnomAD v4.1: 2 of 1,613,066 alleles (0.00012%); highest among the groups gnomAD compares: African/African-American, 0.0027%; no homozygotes.

Submission:

Labcorp Genetics (formerly Invitae), Labcorp
Classification: Uncertain significance for Cenani-Lenz syndactyly syndrome; Sclerosteosis 2; Congenital myasthenic syndrome 17. Last evaluated: 2022-07-11. Review status: criteria provided, single submitter. Criteria: Invitae Variant Classification Sherloc (09022015). Collection method: clinical testing. Allele origin: germline.
Comment: Algorithms developed to predict the effect of missense changes on protein structure and function (SIFT, PolyPhen-2, Align-GVGD) all suggest that this variant is likely to be tolerated. ClinVar contains an entry for this variant (Variation ID: 968206). This variant has not been reported in the literature in individuals affected with LRP4-related conditions. This variant is present in population databases (no rsID available, gnomAD 0.01%). This sequence change replaces asparagine, which is neutral and polar, with aspartic acid, which is acidic and polar, at codon 181 of the LRP4 protein (p.Asn181Asp). In summary, the available evidence is currently insufficient to determine the role of this variant in disease. Therefore, it has been classified as a Variant of Uncertain Significance.